The following is an entry in ClinVar:

NM_000492.4(CFTR):c.104C>T (p.Ser35Leu)

Gene: CFTR (CF transmembrane conductance regulator; plus strand). Cytogenetic location: 7q31.2.
Variant type: single nucleotide variant.
Coding change: c.104C>T on transcript NM_000492.4 (MANE Select); coding-DNA position 104, C replaced by T.
Protein change: p.Ser35Leu; replaces serine 35 with leucine.
Molecular consequence: missense variant.
Genome position (GRCh38, 1-based): chr7:117,504,303, C>T. VCF-style: chr7-117504303-C-T. GRCh37 (hg19) VCF-style: chr7-117144357-C-T.
Other names: short protein forms S35L.
Identifiers: ClinVar variation 1493230 (VCV001493230.7), dbSNP rs1372627069, ClinGen allele CA368987151.

ClinVar aggregate classification (germline): Uncertain significance. Review status: criteria provided, multiple submitters, no conflicts (2 of 4 stars). 3 submissions from 3 submitters: Uncertain significance (3). Last evaluated 2025-12-11.

Conditions:
Cystic fibrosis (CF). Also called: MUCOVISCIDOSIS. Identifiers: Orphanet 586, MedGen C0010674, MONDO:0009061, OMIM 219700. Disease mechanism: loss of function.

Allele frequency attached by ClinVar (database versions not stated): gnomAD exomes 0.00001 and 0.00004.
gnomAD v4.1: 8 of 1,613,012 alleles (0.0005%); highest among the groups gnomAD compares: Admixed American, 0.013%; 1 homozygote.

Submissions (3):

Women's Health and Genetics/Laboratory Corporation of America, LabCorp
Classification: Uncertain significance. Last evaluated: 2025-12-11. Review status: criteria provided, single submitter. Criteria: LabCorp Variant Classification Summary - May 2015. Collection method: clinical testing. Allele origin: germline.

Ambry Genetics
Classification: Uncertain significance for Cystic fibrosis. Last evaluated: 2024-05-31. Review status: criteria provided, single submitter. Criteria: Ambry Variant Classification Scheme 2023. Collection method: clinical testing. Allele origin: germline.
Comment: The p.S35L variant (also known as c.104C>T), located in coding exon 2 of the CFTR gene, results from a C to T substitution at nucleotide position 104. The serine at codon 35 is replaced by leucine, an amino acid with dissimilar properties. This amino acid position is highly conserved in available vertebrate species. In addition, the in silico prediction for this alteration is inconclusive. Since supporting evidence is limited at this time, the clinical significance of this alteration remains unclear.

Labcorp Genetics (formerly Invitae), Labcorp
Classification: Uncertain significance for Cystic fibrosis. Last evaluated: 2021-11-09. Review status: criteria provided, single submitter. Criteria: Invitae Variant Classification Sherloc (09022015). Collection method: clinical testing. Allele origin: germline.
Comment: This sequence change replaces serine, which is neutral and polar, with leucine, which is neutral and non-polar, at codon 35 of the CFTR protein (p.Ser35Leu). This variant is present in population databases (no rsID available, gnomAD 0.03%), including at least one homozygous and/or hemizygous individual. This variant has not been reported in the literature in individuals affected with CFTR-related conditions. Algorithms developed to predict the effect of missense changes on protein structure and function are either unavailable or do not agree on the potential impact of this missense change (SIFT: "Deleterious"; PolyPhen-2: "Benign"; Align-GVGD: "Class C0"). In summary, the available evidence is currently insufficient to determine the role of this variant in disease. Therefore, it has been classified as a Variant of Uncertain Significance.